The following is an entry in ClinVar:

ClinVar aggregate classification (germline): Pathogenic. Review status: criteria provided, multiple submitters, no conflicts (2 of 4 stars). 13 submissions from 13 submitters: Pathogenic (10). 3 of the submissions do not count toward it. Last evaluated 2024-06-20.

Conditions:
CLN5-related disorder. Also called: CLN5-related condition.
Neuronal ceroid lipofuscinosis. Also called: Neuronal Ceroid Lipofuscinoses. Identifiers: Orphanet 216, Orphanet 79263, MedGen C0027877, MONDO:0016295. Disease mechanism: loss of function.
Neuronal ceroid lipofuscinosis 5 (CLN5). Also called: CEROID LIPOFUSCINOSIS, NEURONAL, 5, VARIABLE AGE AT ONSET; CLN5-Related Neuronal Ceroid-Lipofuscinosis; Neuronal ceroid lipofuscinosis Finnish variant; NEURONAL CEROID LIPOFUSCINOSIS, LATE INFANTILE, FINNISH VARIANT. Identifiers: Orphanet 168491, Orphanet 228360, MedGen C1850442, MONDO:0009745, OMIM 256731.

Submissions (13):

Natera, Inc.
Classification: Pathogenic for Neuronal ceroid lipofuscinosis. Last evaluated: 2024-06-20. Review status: criteria provided, single submitter. Criteria: Natera Variant Classification Schema (03/2026). Collection method: clinical testing. Allele origin: germline.
Comment: The c.1175_1176del variant in CLN5 is a frameshift variant predicted to shift the reading frame and introduce a stop codon. This variant may result in a truncated or dysfunctional protein product. This variant is rare in the general population with a frequency below the threshold expected for the associated phenotype(s). This variant has been observed in one or more individuals affected with the associated recessive disease, as either homozygous or compound heterozygous with a second variant (PMID: 9662406, 10953198). Given the available evidence, this variant is classified as Pathogenic.

Fulgent Genetics
Classification: Pathogenic for Neuronal ceroid lipofuscinosis 5. Last evaluated: 2024-05-08. Review status: criteria provided, single submitter. Criteria: ACMG Guidelines, 2015. Collection method: clinical testing. Allele origin: germline.

Baylor Genetics
Classification: Pathogenic for Neuronal ceroid lipofuscinosis 5. Last evaluated: 2024-03-10. Review status: criteria provided, single submitter. Criteria: ACMG Guidelines, 2015. Collection method: clinical testing. Allele origin: unknown.

Blueprint Genetics
Classification: Pathogenic for CLN5-related disorders. Last evaluated: 2024-02-21. Review status: criteria provided, single submitter. Criteria: ACMG Guidelines, 2015. Collection method: clinical testing. Allele origin: germline. Affected: yes. Observed: 5 variant alleles.

Labcorp Genetics (formerly Invitae), Labcorp
Classification: Pathogenic for Neuronal ceroid lipofuscinosis. Last evaluated: 2023-01-16. Review status: criteria provided, single submitter. Criteria: Invitae Variant Classification Sherloc (09022015). Collection method: clinical testing. Allele origin: germline.
Comment: Algorithms developed to predict the effect of variants on protein structure and function are not available or were not evaluated for this variant. ClinVar contains an entry for this variant (Variation ID: 2564). This premature translational stop signal has been observed in individual(s) with Finnish variant late infantile neuronal ceroid lipofuscinosis (PMID: 9662406). In at least one individual the data is consistent with being in trans (on the opposite chromosome) from a pathogenic variant. This variant is present in population databases (rs762340626, gnomAD 0.08%). This sequence change creates a premature translational stop signal (p.Tyr392*) in the CLN5 gene. While this is not anticipated to result in nonsense mediated decay, it is expected to disrupt the last 16 amino acid(s) of the CLN5 protein. For these reasons, this variant has been classified as Pathogenic. Experimental studies are conflicting or provide insufficient evidence to determine the effect of this variant on CLN5 function (PMID: 11971870, 12134079, 20052765, 24038957, 24058541).

Women's Health and Genetics/Laboratory Corporation of America, LabCorp
Classification: Pathogenic for Neuronal ceroid lipofuscinosis. Last evaluated: 2022-09-12. Review status: criteria provided, single submitter. Criteria: LabCorp Variant Classification Summary - May 2015. Collection method: clinical testing. Allele origin: germline.
Comment: Variant summary: CLN5 c.1028_1029delAT (p.Tyr343X)(legacy name: c.1175_1176delAT, p.Tyr392X) is located in the last exon and results in a premature termination codon, which is not predicted to cause nonsense mediated decay, but is predicted to result in a truncation of the encoded protein, which is a commonly known mechanism for disease. The variant allele was found at a frequency of 9.4e-05 in 235034 control chromosomes (gnomAD). c.1028_1029delAT has been reported in the literature as a biallelic genotype in multiple individuals of Finnish ancestry affected with Neuronal Ceroid-Lipofuscinosis (Batten Disease) and has been identified as a founder mutation within this population (e.g. Savukoski_1998, Holmberg_2000). These data indicate that the variant is very likely to be associated with disease. Experimental studies have shown that the variant results in a protein that is retained in the endoplasmic reticulum as opposed to localizing within lysosomes, suggesting it has a negative impact on protein function (e.g. Schmiedt_2010, Moharir_2013). Six submitters have provided assessments for this variant to ClinVar after 2014 and all classified the variant as pathogenic. Based on the evidence outlined above, the variant was classified as pathogenic.

Genome-Nilou Lab
Classification: Pathogenic for Neuronal ceroid lipofuscinosis 5. Last evaluated: 2021-08-10. Review status: criteria provided, single submitter. Criteria: ACMG Guidelines, 2015. Collection method: clinical testing. Allele origin: germline. Affected: no.

Myriad Genetics, Inc.
Classification: Pathogenic for Neuronal ceroid lipofuscinosis 5. Last evaluated: 2019-12-19. Review status: criteria provided, single submitter. Criteria: Myriad Women's Health Autosomal Recessive and X-Linked Classification Criteria (2019). Collection method: clinical testing. Allele origin: unknown.
Comment: NM_006493.2(CLN5):c.1175_1176delAT(Y392*) is classified as pathogenic in the context of CLN5-related neuronal ceroid lipofuscinosis. Sources cited for classification include the following: PMID 9662406, 10953198, 12134079, 20052765, 24038957 and 12134079. Classification of NM_006493.2(CLN5):c.1175_1176delAT(Y392*) is based on the following criteria: The variant causes a premature termination codon that is not expected to be targeted by nonsense-mediated mRNA decay; however, literature evidence strongly supports pathogenicity. Please note: this variant was assessed in the context of healthy population screening.

Broad Center for Mendelian Genomics, Broad Institute of MIT and Harvard
Classification: Pathogenic for Neuronal ceroid lipofuscinosis 5. Last evaluated: 2018-12-03. Review status: criteria provided, single submitter. Criteria: ACMG Guidelines, 2015. Collection method: research. Allele origin: germline. Inheritance: Autosomal recessive inheritance. Affected: yes.
Comment: The homozygous p.Tyr392Ter variant in CLN5 was identified by our study in two siblings with Neuronal Ceroid Lipofuscinosis. This variant has been identified in 0.08321% (21/25238) of European (Finnish) chromosomes by the Genome Aggregation Database (gnomAD; dbSNP rs762340626). Although this variant has been seen in the general population, its frequency is low enough to be consistent with a recessive carrier frequency. This variant is seen in a greater frequency in 18 affected Finnish individuals than in the general population (PMID: 9662406). The variant is believed to be a Finnish founder variant. In vitro functional studies provide some evidence that the p.Tyr392Ter variant may impact protein function by removing a N-glycosylation site and localization to the endoplasmic reticulum instead of the lysosomes (PMID: 24058541, 20052765). However, these types of assays may not accurately represent biological function. This nonsense variant leads to a premature termination codon at position 392. This alteration occurs within the last exon and is more likely to escape nonsense mediated decay (NMD) and result in a truncated protein. Loss of function of the CLN5 gene is an established disease mechanism in autosomal recessive Neuronal Ceroid Lipofuscinosis. In summary, the p.Tyr392Ter variant is pathogenic. ACMG/AMP Criteria applied: PM2, PS4, PS3, PVS1_Moderate (Richards 2015).

GeneDx
Classification: Pathogenic. Last evaluated: 2018-03-07. Review status: criteria provided, single submitter. Criteria: GeneDx Variant Classification (06012015). Collection method: clinical testing. Allele origin: germline. Affected: yes.
Comment: The c.1175_1176delAT pathogenic variant in the CLN5 gene has been reported multiple times previously in association with vLINCL and is considered to be a Finnish founder mutation (Savukoski et al., 1998). Functional studies suggest that the c.1175_1176delAT variant results in an unstable protein which is unable to enter the lysosome (Schmiedt et al., 2010; Moharir et al., 2013). The deletion causes a frameshift starting with codon Tyrosine 392 and changes this amino acid to a premature Stop codon, denoted p.Tyr392Ter. This pathogenic variant is predicted to cause loss of normal protein function either through protein truncation or nonsense-mediated mRNA decay. The c.1175_1176delAT variant is not observed in large population cohorts (Lek et al., 2016; 1000 Genomes Consortium et al., 2015; Exome Variant Server).

OMIM
Classification: Pathogenic for CEROID LIPOFUSCINOSIS, NEURONAL, 5. Last evaluated: 1998-07-01. Review status: no assertion criteria provided. Collection method: literature only. Allele origin: germline. Not counted in ClinVar's aggregate classification.

GeneReviews
No classification provided. Condition: Neuronal ceroid lipofuscinosis 5. Review status: no classification provided. Collection method: literature only. Allele origin: unknown. Not counted in ClinVar's aggregate classification.

Juha Muilu Group; Institute for Molecular Medicine Finland (FIMM)
Classification: Pathogenic for Ceroid lipofuscinosis neuronal 5. Review status: no assertion criteria provided. Collection method: not provided. Allele origin: unknown. Not counted in ClinVar's aggregate classification.
Comment: FinDis database variant: This variant was not found or characterized by our laboratory, data were collected from public sources: see reference
ClinVar note: Converted during submission from pathogenic to Pathogenic.

Literature cited by the submitters: PubMed 9662406 (cited by 6 submitters); PubMed 10953198 (cited by 3 submitters); PubMed 11971870 (cited by Labcorp Genetics (formerly Invitae), Labcorp); PubMed 12134079 (cited by Labcorp Genetics (formerly Invitae), Labcorp and Myriad Genetics, Inc.); PubMed 20052765 (cited by 4 submitters); PubMed 24038957 (cited by Labcorp Genetics (formerly Invitae), Labcorp and Myriad Genetics, Inc.); PubMed 24058541 (cited by 3 submitters); PubMed 20301601 (cited by GeneReviews); NCBI Bookshelf NBK1428 (cited by GeneReviews).

NM_006493.4(CLN5):c.1028_1029del (p.Thr342_Tyr343insTer)

Gene: CLN5 (CLN5 lysosomal BMP synthase; plus strand). Cytogenetic location: 13q22.3.
Variant type: Microsatellite.
Coding change: c.1028_1029del on transcript NM_006493.4 (MANE Select); coding-DNA positions 1028 to 1029, 2 bases deleted (AT; older notation c.1028_1029delAT).
Protein change: p.Thr342_Tyr343insTer.
Molecular consequence: nonsense. On other transcripts: 3 prime UTR variant (1).
Genome position (GRCh38, 1-based): chr13:77,000,920-77,000,921, AT deleted; deleting any 2 consecutive bases within chr13:77,000,918-77,000,921 gives the same sequence; the c. name uses the placement nearest the transcript's 3' end. VCF-style (leftmost placement, unchanged base first): chr13-77000917-CAT-C. GRCh37 (hg19) VCF-style: chr13-77575052-CAT-C.
Other names: c.1028_1029delAT (NM_006493.4); c.*475AT[1] (NM_001366624.2); c.1175_1176del (NM_006493.2).
Identifiers: ClinVar variation 2564 (VCV000002564.29), dbSNP rs386833969, ClinGen allele CA339999.
Genomic context (GRCh38, chr13:77,000,917, plus strand): 5'-ATTTGTTTTATAATTTTGAATATTGGTTTTTACCTATGAAATTCCCTTTTATTAAAATAA[CAT>C]ATGAAGAAATCCCTTTACCTATCAGAAACAAAACACTCTCTGGTTTATAAAACACCTTAA-3'